The following is an entry in ClinVar:

ClinVar aggregate classification (germline): Uncertain significance. Review status: criteria provided, multiple submitters, no conflicts (2 of 4 stars). 3 submissions from 3 submitters: Uncertain significance (3). Last evaluated 2025-03-04.

Conditions:
Colorectal cancer, hereditary nonpolyposis, type 7. Identifiers: Orphanet 144, MedGen C1858380, MONDO:0013725, OMIM 614385.

Allele frequency attached by ClinVar (database versions not stated): gnomAD exomes below 0.00001; ExAC 0.00001.
gnomAD v4.1: 2 of 1,614,148 alleles (0.00012%); highest among the groups gnomAD compares: Non-Finnish European, 0.00017%; no homozygotes.

Submissions (3):

Center for Genomic Medicine, Rigshospitalet, Copenhagen University Hospital
Classification: Uncertain significance. Last evaluated: 2025-03-04. Review status: criteria provided, single submitter. Criteria: ACMG Guidelines, 2015. Collection method: clinical testing. Allele origin: germline.

Ambry Genetics
Classification: Uncertain significance. Last evaluated: 2024-04-22. Review status: criteria provided, single submitter. Criteria: Ambry Variant Classification Scheme 2023. Collection method: clinical testing. Allele origin: germline.
Comment: The p.D835N variant (also known as c.2503G>A), located in coding exon 1 of the MLH3 gene, results from a G to A substitution at nucleotide position 2503. The aspartic acid at codon 835 is replaced by asparagine, an amino acid with highly similar properties. This amino acid position is conserved. In addition, this alteration is predicted to be tolerated by in silico analysis. Since supporting evidence is limited at this time, the clinical significance of this alteration remains unclear.

Labcorp Genetics (formerly Invitae), Labcorp
Classification: Uncertain significance for Colorectal cancer, hereditary nonpolyposis, type 7. Last evaluated: 2017-09-19. Review status: criteria provided, single submitter. Criteria: Invitae Variant Classification Sherloc (09022015). Collection method: clinical testing. Allele origin: germline.
Comment: This variant is present in population databases (rs766153131, ExAC 0.001%). This sequence change replaces aspartic acid with asparagine at codon 835 of the MLH3 protein (p.Asp835Asn). The aspartic acid residue is weakly conserved and there is a small physicochemical difference between aspartic acid and asparagine. This variant has not been reported in the literature in individuals with MLH3-related disease. Algorithms developed to predict the effect of missense changes on protein structure and function (SIFT, PolyPhen-2, Align-GVGD) all suggest that this variant is likely to be tolerated, but these predictions have not been confirmed by published functional studies and their clinical significance is uncertain. In summary, the available evidence is currently insufficient to determine the role of this variant in disease. Therefore, it has been classified as a Variant of Uncertain Significance.

NM_001040108.2(MLH3):c.2503G>A (p.Asp835Asn)

Gene: MLH3 (mutL homolog 3; minus strand). Cytogenetic location: 14q24.3.
Variant type: single nucleotide variant.
Coding change: c.2503G>A on transcript NM_001040108.2 (MANE Select); coding-DNA position 2503, G replaced by A.
Protein change: p.Asp835Asn; replaces aspartic acid 835 with asparagine.
Molecular consequence: missense variant.
Genome position (GRCh38, 1-based): chr14:75,047,153, C>T on the plus strand (G>A on the coding strand, the complement: MLH3 is on the minus strand). VCF-style: chr14-75047153-C-T. GRCh37 (hg19) VCF-style: chr14-75513856-C-T.
Other names: c.2503G>A, p.Asp835Asn (NM_014381.3); short protein forms D835N.
Identifiers: ClinVar variation 544286 (VCV000544286.13), dbSNP rs766153131, ClinGen allele CA7275693.